The following is an entry in ClinVar:

ClinVar aggregate classification (germline): Likely benign. Review status: criteria provided, multiple submitters, no conflicts (2 of 4 stars). 2 submissions from 2 submitters: Likely benign (2). Last evaluated 2024-01-17.

Conditions:
Methylmalonic aciduria and homocystinuria type cblF. Also called: METHYLMALONIC ACIDEMIA AND HOMOCYSTINURIA, cblF TYPE; METHYLMALONIC ACIDURIA DUE TO VITAMIN B12-RELEASE DEFECT; VITAMIN B12 LYSOSOMAL RELEASE DEFECT; VITAMIN B12 STORAGE DISEASE; COBALAMIN F DISEASE; COBALAMIN, DEFECT IN LYSOSOMAL RELEASE OF. Identifiers: Orphanet 79284, MedGen C1848578, MONDO:0010183, OMIM 277380.

Allele frequency attached by ClinVar (database versions not stated): ExAC 0.00001; gnomAD exomes 0.00001; gnomAD 0.00006; TOPMed 0.00006.

Submissions (2):

Labcorp Genetics (formerly Invitae), Labcorp
Classification: Likely benign for Methylmalonic aciduria and homocystinuria type cblF. Last evaluated: 2024-01-17. Review status: criteria provided, single submitter. Criteria: Invitae Variant Classification Sherloc (09022015). Collection method: clinical testing. Allele origin: germline.

GeneDx
Classification: Likely benign. Last evaluated: 2018-04-06. Review status: criteria provided, single submitter. Criteria: GeneDx Variant Classification (06012015). Collection method: clinical testing. Allele origin: germline. Affected: yes.
Comment: This variant is considered likely benign or benign based on one or more of the following criteria: it is a conservative change, it occurs at a poorly conserved position in the protein, it is predicted to be benign by multiple in silico algorithms, and/or has population frequency not consistent with disease.

NM_018368.4(LMBRD1):c.637-13G>A

Gene: LMBRD1 (LMBR1 domain containing 1; minus strand). Cytogenetic location: 6q13.
Variant type: single nucleotide variant.
Coding change: c.637-13G>A on transcript NM_018368.4 (MANE Select); 13 bases into the intron before coding-DNA position 637, G replaced by A.
Molecular consequence: intron variant.
Genome position (GRCh38, 1-based): chr6:69,719,094, C>T on the plus strand (G>A on the coding strand, the complement: LMBRD1 is on the minus strand). VCF-style: chr6-69719094-C-T. GRCh37 (hg19) VCF-style: chr6-70428986-C-T.
Other names: c.418-13G>A (NM_001367272.1, NM_001367271.1, NM_001363722.2).
Identifiers: ClinVar variation 680916 (VCV000680916.6), dbSNP rs776621535, ClinGen allele CA3879818.
Genomic context (GRCh38, chr6:69,719,094, plus strand): 5'-TCTAGTGCCTTTTATCAGATTTAAAGGTAACGCAGACATGCCATAGGCCTAAAAGAAAAA[C>T]AATTGAAATGTTTTAGAAATAATGTTTCAAACATATTATACACAATTTTAGGTTAAAAAT-3'